The following is an entry in ClinVar:

NM_021096.4(CACNA1I):c.5923_5924delinsCA (p.Gly1975His)

Gene: CACNA1I (calcium voltage-gated channel subunit alpha1 I; plus strand). Cytogenetic location: 22q13.1.
Variant type: Indel.
Coding change: c.5923_5924delinsCA on transcript NM_021096.4 (MANE Select); coding-DNA positions 5923 to 5924, GG replaced by CA.
Protein change: p.Gly1975His; replaces glycine 1975 with histidine.
Molecular consequence: missense variant.
Genome position (GRCh38, 1-based): chr22:39,684,394-39,684,395, GG replaced by CA. VCF-style: chr22-39684394-GG-CA. GRCh37 (hg19) VCF-style: chr22-40080399-GG-CA.
Other names: c.5818_5819delinsCA, p.Gly1940His (NM_001003406.2); short protein forms G1940H, G1975H.
Identifiers: ClinVar variation 3370690 (VCV003370690.1).

ClinVar aggregate classification (germline): Uncertain significance (1 of 4 stars; one submission).

Submission:

GeneDx
Classification: Uncertain significance. Last evaluated: 2024-03-08. Review status: criteria provided, single submitter. Criteria: GeneDx Variant Classification Process June 2021. Collection method: clinical testing. Allele origin: germline. Affected: yes.
Comment: Not observed at significant frequency in large population cohorts (gnomAD); In silico analysis supports that this variant does not alter protein structure/function; Has not been previously published as pathogenic or benign to our knowledge